The following is an entry in ClinVar:

NM_003482.4(KMT2D):c.4525A>G (p.Ile1509Val)

Gene: KMT2D (lysine methyltransferase 2D; minus strand). Cytogenetic location: 12q13.12.
Variant type: single nucleotide variant.
Coding change: c.4525A>G on transcript NM_003482.4 (MANE Select); coding-DNA position 4525, A replaced by G.
Protein change: p.Ile1509Val; replaces isoleucine 1509 with valine.
Molecular consequence: missense variant.
Genome position (GRCh38, 1-based): chr12:49,046,318, T>C on the plus strand (A>G on the coding strand, the complement: KMT2D is on the minus strand). VCF-style: chr12-49046318-T-C. GRCh37 (hg19) VCF-style: chr12-49440101-T-C.
Other names: short protein forms I1509V.
Identifiers: ClinVar variation 774105 (VCV000774105.17), dbSNP rs200943206, ClinGen allele CA6547811.

ClinVar aggregate classification (germline): Benign/Likely benign. Review status: criteria provided, multiple submitters, no conflicts (2 of 4 stars). 5 submissions from 5 submitters: Benign (2); Likely benign (2). 1 of the submissions does not count toward it. Last evaluated 2025-12-30.

Conditions:
KMT2D-related disorder. Also called: KMT2D-Related Disorders.
Kabuki syndrome. Also called: NIIKAWA-KUROKI SYNDROME; Kabuki make-up syndrome. Identifiers: Orphanet 2322, MedGen C0796004, MONDO:0016512.

Allele frequency attached by ClinVar (database versions not stated): gnomAD exomes 0.00006 and 0.00016; ExAC 0.00023; 1000 Genomes Project 30x 0.00031; 1000 Genomes Project 0.00040; gnomAD 0.00062 and 0.00068; TOPMed 0.00067; ESP Exome Variant Server 0.00109.
gnomAD v4.1: 183 of 1,613,958 alleles (0.011%); highest among the groups gnomAD compares: African/African-American, 0.21%; no homozygotes.

Submissions (5):

Labcorp Genetics (formerly Invitae), Labcorp
Classification: Likely benign for Kabuki syndrome. Last evaluated: 2025-12-30. Review status: criteria provided, single submitter. Criteria: Invitae Variant Classification Sherloc (09022015). Collection method: clinical testing. Allele origin: germline.

Blueprint Genetics
Classification: Likely benign. Last evaluated: 2023-01-19. Review status: criteria provided, single submitter. Criteria: ACMG Guidelines, 2015. Collection method: clinical testing. Allele origin: germline.

GeneDx
Classification: Benign. Last evaluated: 2021-03-15. Review status: criteria provided, single submitter. Criteria: GeneDx Variant Classification Process June 2021. Collection method: clinical testing. Allele origin: germline. Affected: yes.

Genetic Services Laboratory, University of Chicago
Classification: Benign. Last evaluated: 2019-04-10. Review status: criteria provided, single submitter. Criteria: ACMG Guidelines, 2015. Collection method: clinical testing. Allele origin: germline. Affected: no.

PreventionGenetics, part of Exact Sciences
Classification: Likely benign for KMT2D-related condition. Last evaluated: 2019-10-29. Review status: no assertion criteria provided. Collection method: clinical testing. Allele origin: germline. Not counted in ClinVar's aggregate classification.
Comment: This variant is classified as likely benign based on ACMG/AMP sequence variant interpretation guidelines (Richards et al. 2015 PMID: 25741868, with internal and published modifications).